The following is an entry in ClinVar:

NM_000256.3(MYBPC3):c.524C>T (p.Ser175Leu)

Gene: MYBPC3 (myosin binding protein C3; minus strand). Cytogenetic location: 11p11.2.
Variant type: single nucleotide variant.
Coding change: c.524C>T on transcript NM_000256.3 (MANE Select); coding-DNA position 524, C replaced by T.
Protein change: p.Ser175Leu; replaces serine 175 with leucine.
Molecular consequence: missense variant.
Genome position (GRCh38, 1-based): chr11:47,349,904, G>A on the plus strand (C>T on the coding strand, the complement: MYBPC3 is on the minus strand). VCF-style: chr11-47349904-G-A. GRCh37 (hg19) VCF-style: chr11-47371455-G-A.
Other names: short protein forms S175L.
Identifiers: ClinVar variation 4756885 (VCV004756885.1).
Genomic context (GRCh38, chr11:47,349,904, plus strand): 5'-TTGCCCTTGAACCACTTGACCACAGGCGGCTTCAGGAGGCTGGCGCCGGCCACGCGGGCT[G>A]AGAAGGTGATGCTGCCACCTGCAAAGGCAGGGGCGACAGGCCCGGCTTGGGGAGTGTCCT-3'
Protein context (NP_000247.2, residues 165-185): EVTVGGSITF[Ser175Leu]ARVAGASLLK

ClinVar aggregate classification (germline): Uncertain significance (1 of 4 stars; one submission).

Conditions:
Cardiomyopathy (CMYO). Also called: Cardiomyopathies. Identifiers: Orphanet 167848, MedGen C0878544, MONDO:0004994, HP:0001638. Inheritance: Various modes of inheritance.

Submission:

Color Diagnostics, LLC DBA Color Health
Classification: Uncertain significance for Cardiomyopathy. Last evaluated: 2025-06-23. Review status: criteria provided, single submitter. Criteria: ACMG Guidelines, 2015. Collection method: clinical testing. Allele origin: germline.
Comment: This missense variant replaces serine with leucine at codon 175 of the MYBPC3 protein. Computational prediction suggests that this variant may not impact protein structure and function. To our knowledge, functional studies have not been reported for this variant. This variant has not been reported in individuals affected with MYBPC3-related disorders in the literature. This variant has not been identified in the general population by the Genome Aggregation Database (gnomAD). The available evidence is insufficient to determine the role of this variant in disease conclusively. Therefore, this variant is classified as a Variant of Uncertain Significance.